The following is an entry in ClinVar:

ClinVar aggregate classification (germline): Pathogenic (1 of 4 stars; one submission).

Conditions:
Autosomal recessive early-onset Parkinson disease 6 (PARK6). Also called: PARKINSON DISEASE 6, MODIFIER OF; PINK1 Type of Young-Onset Parkinson Disease; PINK1-Related Parkinson Disease; PARKINSON DISEASE 6, EARLY-ONSET. Identifiers: Orphanet 2828, MedGen C1853833, MONDO:0011613, OMIM 605909.

Submission:

Labcorp Genetics (formerly Invitae), Labcorp
Classification: Pathogenic for Autosomal recessive early-onset Parkinson disease 6. Last evaluated: 2022-08-09. Review status: criteria provided, single submitter. Criteria: Invitae Variant Classification Sherloc (09022015). Collection method: clinical testing. Allele origin: germline.
Comment: This sequence change creates a premature translational stop signal (p.Gln534*) in the PINK1 gene. While this is not anticipated to result in nonsense mediated decay, it is expected to disrupt the last 48 amino acid(s) of the PINK1 protein. This variant is not present in population databases (gnomAD no frequency). This variant has not been reported in the literature in individuals affected with PINK1-related conditions. Algorithms developed to predict the effect of sequence changes on RNA splicing suggest that this variant may create or strengthen a splice site. This variant disrupts a region of the PINK1 protein in which other variant(s) (p.Cys549Trpfs*5) have been determined to be pathogenic (PMID: 16401616). This suggests that this is a clinically significant region of the protein, and that variants that disrupt it are likely to be disease-causing. For these reasons, this variant has been classified as Pathogenic.

Literature cited by the submitters: PubMed 16401616.

NM_032409.3(PINK1):c.1600C>T (p.Gln534Ter)

Genes: PINK1 (PTEN induced kinase 1; plus strand), PINK1-AS (PINK1 antisense RNA; minus strand). Cytogenetic location: 1p36.12.
Variant type: single nucleotide variant.
Coding change: c.1600C>T on transcript NM_032409.3 (MANE Select); coding-DNA position 1600, C replaced by T.
Protein change: p.Gln534Ter; replaces glutamine 534 with a stop codon.
Molecular consequence: nonsense. On other transcripts: non-coding transcript variant (1).
Genome position (GRCh38, 1-based): chr1:20,650,545, C>T. VCF-style: chr1-20650545-C-T. GRCh37 (hg19) VCF-style: chr1-20977038-C-T.
Other names: short protein forms Q534*.
Identifiers: ClinVar variation 2020503 (VCV002020503.4), dbSNP rs1570409378, ClinGen allele CA338840597.